The following is an entry in ClinVar:

NM_001080466.2(BTBD17):c.768C>T (p.Arg256=)

Gene: BTBD17 (BTB domain containing 17; minus strand). Cytogenetic location: 17q25.1.
Variant type: single nucleotide variant.
Coding change: c.768C>T on transcript NM_001080466.2 (MANE Select); coding-DNA position 768, C replaced by T.
Protein change: p.Arg256=; no amino-acid change (arginine 256 retained).
Molecular consequence: synonymous variant.
Genome position (GRCh38, 1-based): chr17:74,357,326, G>A on the plus strand (C>T on the coding strand, the complement: BTBD17 is on the minus strand). VCF-style: chr17-74357326-G-A. GRCh37 (hg19) VCF-style: chr17-72353465-G-A.
Identifiers: ClinVar variation 3250796 (VCV003250796.18), dbSNP rs1390364300.

ClinVar aggregate classification (germline): Likely benign (1 of 4 stars; one submission).

Allele frequency attached by ClinVar (database versions not stated): TOPMed below 0.00001.

Submission:

CeGaT Center for Human Genetics Tuebingen
Classification: Likely benign. Last evaluated: 2026-08-01. Review status: criteria provided, single submitter. Criteria: CeGaT Center For Human Genetics Tuebingen Variant Classification Criteria Version 2. Collection method: clinical testing. Allele origin: germline. Affected: yes. Observed: 4 variant alleles.
Comment: BTBD17: BP4, BP7